The following is an entry in ClinVar:

NM_032444.4(SLX4):c.4240C>G (p.Pro1414Ala)

Gene: SLX4 (SLX4 structure-specific endonuclease subunit; minus strand). Cytogenetic location: 16p13.3.
Variant type: single nucleotide variant.
Coding change: c.4240C>G on transcript NM_032444.4 (MANE Select); coding-DNA position 4240, C replaced by G.
Protein change: p.Pro1414Ala; replaces proline 1414 with alanine.
Molecular consequence: missense variant.
Genome position (GRCh38, 1-based): chr16:3,589,398, G>C on the plus strand (C>G on the coding strand, the complement: SLX4 is on the minus strand). VCF-style: chr16-3589398-G-C. GRCh37 (hg19) VCF-style: chr16-3639399-G-C.
Other names: short protein forms P1414A.
Identifiers: ClinVar variation 1346352 (VCV001346352.6), dbSNP rs2040548472, ClinGen allele CA394517991.

ClinVar aggregate classification (germline): Uncertain significance (1 of 4 stars; one submission).

Conditions:
Fanconi anemia (FA). Also called: Fanconi's anemia. Identifiers: Orphanet 84, MedGen C0015625, MeSH D005199, MONDO:0019391.

Allele frequency attached by ClinVar (database versions not stated): gnomAD 0.00001.

Submission:

Labcorp Genetics (formerly Invitae), Labcorp
Classification: Uncertain significance for Fanconi anemia. Last evaluated: 2021-09-04. Review status: criteria provided, single submitter. Criteria: Invitae Variant Classification Sherloc (09022015). Collection method: clinical testing. Allele origin: germline.
Comment: In summary, the available evidence is currently insufficient to determine the role of this variant in disease. Therefore, it has been classified as a Variant of Uncertain Significance. Algorithms developed to predict the effect of missense changes on protein structure and function output the following: SIFT: "Tolerated"; PolyPhen-2: "Benign"; Align-GVGD: "Class C0". The alanine amino acid residue is found in multiple mammalian species, which suggests that this missense change does not adversely affect protein function. This variant has not been reported in the literature in individuals affected with SLX4-related conditions. This variant is not present in population databases (ExAC no frequency). This sequence change replaces proline with alanine at codon 1414 of the SLX4 protein (p.Pro1414Ala). The proline residue is weakly conserved and there is a small physicochemical difference between proline and alanine.